The following is an entry in ClinVar:

NM_001363540.2(DOCK4):c.3131T>C (p.Met1044Thr)

Genes: DOCK4 (dedicator of cytokinesis 4; minus strand), DOCK4-AS1 (DOCK4 antisense RNA 1; plus strand). Cytogenetic location: 7q31.1.
Variant type: single nucleotide variant.
Coding change: c.3131T>C on transcript NM_001363540.2 (MANE Select); coding-DNA position 3131, T replaced by C.
Protein change: p.Met1044Thr; replaces methionine 1044 with threonine.
Molecular consequence: missense variant.
Genome position (GRCh38, 1-based): chr7:111,808,856, A>G on the plus strand (T>C on the coding strand, the complement: DOCK4 is on the minus strand). VCF-style: chr7-111808856-A-G. GRCh37 (hg19) VCF-style: chr7-111448912-A-G.
Other names: c.3131T>C, p.Met1044Thr (NM_014705.4); short protein forms M1044T.
Identifiers: ClinVar variation 2627576 (VCV002627576.2), dbSNP rs2536768544, ClinGen allele CA368961423.
Genomic context (GRCh38, chr7:111,808,856, plus strand): 5'-TGTGGCTTCTCTTTTCCTCACTTACCTAGGTTTTGCCACATGCTGAAAATTTCACAACCC[A>G]TTGTTACCCGCATGTCACCATACCTGAAATAGAACAAAAAACCAAACCTGATACAATGCC-3'
Protein context (NP_001350469.1, residues 1034-1054): LEKYGDMRVT[Met1044Thr]GCEIFSMWQN

ClinVar aggregate classification (germline): Likely pathogenic (1 of 4 stars; one submission).

Conditions:
Neurodevelopmental disorder. Identifiers: MedGen C1535926, MeSH D065886, MONDO:0700092.

Submission:

Institute of Human Genetics, University of Leipzig Medical Center
Classification: Likely pathogenic for Neurodevelopmental disorder. Last evaluated: 2024-02-12. Review status: criteria provided, single submitter. Criteria: ACMG Guidelines, 2015. Collection method: clinical testing. Allele origin: de novo. Affected: yes.
Comment: This variant was identified as de novo (maternity and paternity confirmed) Criteria applied: PM2_SUP, PS3_MOD, PP3, PS2_MOD, PM1_SUP This variant was identified together with the variant NM_014705.4:c.758C>T, p.Pro253Leu

Literature cited by the submitters: DOI 10.1007/s00439-024-02655-4.